The following is an entry in ClinVar:

NM_201384.3(PLEC):c.2613G>A (p.Arg871=)

Gene: PLEC (plectin; minus strand). Cytogenetic location: 8q24.3.
Variant type: single nucleotide variant.
Coding change: c.2613G>A on transcript NM_201384.3 (MANE Select); coding-DNA position 2613, G replaced by A.
Protein change: p.Arg871=; no amino-acid change (arginine 871 retained).
Molecular consequence: synonymous variant.
Genome position (GRCh38, 1-based): chr8:143,930,062, C>T on the plus strand (G>A on the coding strand, the complement: PLEC is on the minus strand). VCF-style: chr8-143930062-C-T. GRCh37 (hg19) VCF-style: chr8-145004230-C-T.
Other names: c.2694G>A, p.Arg898= (NM_000445.5, NM_001410941.1); c.2571G>A, p.Arg857= (NM_201378.4); c.2547G>A, p.Arg849= (NM_201379.3); c.3024G>A, p.Arg1008= (NM_201380.4); c.2517G>A, p.Arg839= (NM_201381.3); c.2613G>A, p.Arg871= (NM_201382.4); c.2625G>A, p.Arg875= (NM_201383.3).
Identifiers: ClinVar variation 1921373 (VCV001921373.5), dbSNP rs965231986, ClinGen allele CA187619267.

ClinVar aggregate classification (germline): Uncertain significance (1 of 4 stars; one submission).

Conditions:
Epidermolysis bullosa simplex 5B, with muscular dystrophy (EBS5B). Also called: Epidermolysis bullosa simplex with muscular dystrophy; EPIDERMOLYSIS BULLOSA SIMPLEX AND LIMB-GIRDLE MUSCULAR DYSTROPHY. Identifiers: Orphanet 257, MedGen C2931072, MONDO:0009181, OMIM 226670.
Epidermolysis bullosa simplex, Ogna type (EBS5A). Also called: EPIDERMOLYSIS BULLOSA SIMPLEX 5A, OGNA TYPE; Pidermolysis bullosa simplex 5A, Ogna type. Identifiers: Orphanet 79401, MedGen C0432317, MONDO:0007555, OMIM 131950.
Epidermolysis bullosa simplex 5C, with pyloric atresia (EBS5C). Also called: PLEC-Related Epidermolysis Bullosa with Pyloric Atresia; Epidermolysis bullosa simplex with pyloric atresia; PLEC1-Related Epidermolysis Bullosa with Pyloric Atresia. Identifiers: Orphanet 158684, MedGen C2677349, MONDO:0012807, OMIM 612138.
Epidermolysis bullosa simplex with nail dystrophy (EBS5D). Identifiers: MedGen C4225309, MONDO:0014661, OMIM 616487.
Autosomal recessive limb-girdle muscular dystrophy type 2Q (LGMDR17). Also called: MUSCULAR DYSTROPHY, LIMB-GIRDLE, AUTOSOMAL RECESSIVE 17. Identifiers: Orphanet 254361, MedGen C3150989, MONDO:0013390, OMIM 613723.

Allele frequency attached by ClinVar (database versions not stated): gnomAD exomes below 0.00001; gnomAD 0.00002; TOPMed 0.00002.
gnomAD v4.1: 4 of 1,610,254 alleles (0.00025%); highest among the groups gnomAD compares: African/African-American, 0.004%; no homozygotes.

Submission:

Labcorp Genetics (formerly Invitae), Labcorp
Classification: Uncertain significance for Autosomal recessive limb-girdle muscular dystrophy type 2Q; Epidermolysis bullosa simplex, Ogna type; Epidermolysis bullosa simplex with nail dystrophy; Epidermolysis bullosa simplex 5C, with pyloric atresia; Epidermolysis bullosa simplex 5B, with muscular dystrophy. Last evaluated: 2025-06-24. Review status: criteria provided, single submitter. Criteria: Invitae Variant Classification Sherloc (09022015). Collection method: clinical testing. Allele origin: germline.
Comment: This sequence change affects codon 898 of the PLEC mRNA. It is a 'silent' change, meaning that it does not change the encoded amino acid sequence of the PLEC protein. It affects a nucleotide within the consensus splice site. This variant is present in population databases (no rsID available, gnomAD 0.004%). This variant has not been reported in the literature in individuals affected with PLEC-related conditions. ClinVar contains an entry for this variant (Variation ID: 1921373). Algorithms developed to predict the effect of sequence changes on RNA splicing suggest that this variant is not likely to affect RNA splicing. In summary, the available evidence is currently insufficient to determine the role of this variant in disease. Therefore, it has been classified as a Variant of Uncertain Significance.